The following is an entry in ClinVar:

NM_000117.3(EMD):c.598T>C (p.Trp200Arg)

Gene: EMD (emerin; plus strand). Cytogenetic location: Xq28.
Variant type: single nucleotide variant.
Coding change: c.598T>C on transcript NM_000117.3 (MANE Select); coding-DNA position 598, T replaced by C.
Protein change: p.Trp200Arg; replaces tryptophan 200 with arginine.
Molecular consequence: missense variant.
Genome position (GRCh38, 1-based): chrX:154,381,030, T>C. VCF-style: chrX-154381030-T-C. GRCh37 (hg19) VCF-style: chrX-153609390-T-C.
Other names: short protein forms W200R.
Identifiers: ClinVar variation 163404 (VCV000163404.18), dbSNP rs374981936, ClinGen allele CA176027.

ClinVar aggregate classification (germline): Conflicting classifications of pathogenicity. Review status: criteria provided, conflicting classifications (1 of 4 stars). 6 submissions from 6 submitters: Uncertain significance (4); Likely benign (1). 1 of the submissions does not count toward it. Last evaluated 2026-01-04.

Conditions:
Cardiovascular phenotype. Identifiers: MedGen CN230736.
Emery-Dreifuss muscular dystrophy (EDMD). Also called: Scapuloperoneal syndrome, X-linked (formerly); Humeroperoneal neuromuscular disease, (formerly). Identifiers: Orphanet 261, MedGen C0410189, MONDO:0016830.
X-linked Emery-Dreifuss muscular dystrophy. Also called: Muscular dystrophy, tardive Emery-Dreifuss type, with contractures. Identifiers: Orphanet 261, Orphanet 98863, MedGen C0751337, MONDO:0010680.

Allele frequency attached by ClinVar (database versions not stated): ExAC 0.00002; gnomAD exomes 0.00002 and 0.00004; TOPMed 0.00008; gnomAD 0.00010 and 0.00011; ESP Exome Variant Server 0.00019.
gnomAD v4.1: 51 of 1,210,525 alleles (0.0042%); highest among the groups gnomAD compares: Non-Finnish European, 0.0055%; no homozygotes.

Submissions (6):

Labcorp Genetics (formerly Invitae), Labcorp
Classification: Likely benign for X-linked Emery-Dreifuss muscular dystrophy. Last evaluated: 2026-01-04. Review status: criteria provided, single submitter. Criteria: Invitae Variant Classification Sherloc (09022015). Collection method: clinical testing. Allele origin: germline.

Ambry Genetics
Classification: Uncertain significance for Cardiovascular phenotype. Last evaluated: 2025-04-03. Review status: criteria provided, single submitter. Criteria: Ambry Variant Classification Scheme 2023. Collection method: clinical testing. Allele origin: germline.
Comment: The p.W200R variant (also known as c.598T>C), located in coding exon 6 of the EMD gene, results from a T to C substitution at nucleotide position 598. The tryptophan at codon 200 is replaced by arginine, an amino acid with dissimilar properties. This amino acid position is highly conserved in available vertebrate species. In addition, the in silico prediction for this alteration is inconclusive. Based on data from gnomAD, the C allele has an overall frequency of 0.002% (5/204696) total alleles studied, with 2 hemizygote(s) observed. The highest observed frequency was 0.005% (5/92220) of European (non-Finnish) alleles. Based on the available evidence, the clinical significance of this variant remains unclear.

Fulgent Genetics
Classification: Uncertain significance for Emery-Dreifuss muscular dystrophy 1, X-linked. Last evaluated: 2021-09-16. Review status: criteria provided, single submitter. Criteria: ACMG Guidelines, 2015. Collection method: clinical testing. Allele origin: unknown.

GeneDx
Classification: Uncertain significance. Last evaluated: 2019-02-22. Review status: criteria provided, single submitter. Criteria: GeneDx Variant Classification Process June 2021. Collection method: clinical testing. Allele origin: germline. Affected: yes.
Comment: Has not been previously published as pathogenic or benign to our knowledge; In silico analysis, which includes protein predictors and evolutionary conservation, supports a deleterious effect

Laboratory for Molecular Medicine, Mass General Brigham Personalized Medicine
Classification: Uncertain significance. Last evaluated: 2014-07-18. Review status: criteria provided, single submitter. Criteria: LMM Criteria. Collection method: clinical testing. Allele origin: germline. Observed: 1 variant allele.
Comment: The Trp200Arg variant in EMD has not been previously reported in individuals wit h cardiomyopathy, but has been identified in 2/6728 European American chromosome s by the NHLBI Exome Sequencing Project (dbSN P rs374981936). Computational prediction tools and conservation analysis do not provide strong support for or against an impact to the protein. In summary, the clinical significance of the Trp200Arg variant is uncertain.

Natera, Inc.
Classification: Uncertain significance for Emery-Dreifuss muscular dystrophy. Last evaluated: 2020-03-24. Review status: no assertion criteria provided. Collection method: clinical testing. Allele origin: germline. Not counted in ClinVar's aggregate classification.